The following is an entry in ClinVar:

ClinVar aggregate classification (germline): Likely pathogenic (1 of 4 stars; one submission).

Conditions:
Amyotrophic lateral sclerosis type 10 (ALS10). Also called: AMYOTROPHIC LATERAL SCLEROSIS 10 WITHOUT FRONTOTEMPORAL DEMENTIA AND WITH TDP43 INCLUSIONS; AMYOTROPHIC LATERAL SCLEROSIS 10 WITH OR WITHOUT FRONTOTEMPORAL DEMENTIA AND WITH TDP43 INCLUSIONS; AMYOTROPHIC LATERAL SCLEROSIS 10 WITH OR WITHOUT FRONTOTEMPORAL DEMENTIA; Amyotrophic lateral sclerosis 10, with or without FTD; TARDBP-Related Amyotrophic Lateral Sclerosis-Frontotemporal Dementia. Identifiers: Orphanet 275872, Orphanet 803, MedGen C2677565, MONDO:0012790, OMIM 612069.
FRONTOTEMPORAL LOBAR DEGENERATION WITH TDP43 INCLUSIONS, TARDBP-RELATED. Also called: Frontotemporal lobar degeneration, TARDBP-related. Identifiers: MedGen C3150169, OMIM 612069.

Allele frequency attached by ClinVar (database versions not stated): gnomAD exomes below 0.00001.

Submission:

Labcorp Genetics (formerly Invitae), Labcorp
Classification: Likely pathogenic for Amyotrophic lateral sclerosis type 10; FRONTOTEMPORAL LOBAR DEGENERATION WITH TDP43 INCLUSIONS, TARDBP-RELATED. Last evaluated: 2022-07-25. Review status: criteria provided, single submitter. Criteria: Invitae Variant Classification Sherloc (09022015). Collection method: clinical testing. Allele origin: germline.
Comment: For these reasons, this variant has been classified as Pathogenic. This variant disrupts the p.Ala231 amino acid residue in TARDBP. Other variant(s) that disrupt this residue have been observed in individuals with TARDBP-related conditions (PMID: 19760257, 19864663, 32253937), which suggests that this may be a clinically significant amino acid residue. Algorithms developed to predict the effect of missense changes on protein structure and function are either unavailable or do not agree on the potential impact of this missense change (SIFT: "Deleterious"; PolyPhen-2: "Benign"; Align-GVGD: "Class C65"). ClinVar contains an entry for this variant (Variation ID: 938527). This missense change has been observed in individuals with amyotrophic lateral sclerosis and/or clinical features of amyotrophic lateral sclerosis (PMID: 32253937; Invitae). It has also been observed to segregate with disease in related individuals. This variant is present in population databases (no rsID available, gnomAD no frequency). This sequence change replaces alanine, which is neutral and non-polar, with aspartic acid, which is acidic and polar, at codon 321 of the TARDBP protein (p.Ala321Asp).

Literature cited by the submitters: PubMed 19760257; PubMed 19864663; PubMed 32253937.

NM_007375.4(TARDBP):c.962C>A (p.Ala321Asp)

Gene: TARDBP (TAR DNA binding protein; plus strand). Cytogenetic location: 1p36.22.
Variant type: single nucleotide variant.
Coding change: c.962C>A on transcript NM_007375.4 (MANE Select); coding-DNA position 962, C replaced by A.
Protein change: p.Ala321Asp; replaces alanine 321 with aspartic acid.
Molecular consequence: missense variant.
Genome position (GRCh38, 1-based): chr1:11,022,371, C>A. VCF-style: chr1-11022371-C-A. GRCh37 (hg19) VCF-style: chr1-11082428-C-A.
Other names: short protein forms A321D.
Identifiers: ClinVar variation 938527 (VCV000938527.9), dbSNP rs1304706298, ClinGen allele CA338366763.